The following is an entry in ClinVar:

ClinVar aggregate classification (germline): Uncertain significance (1 of 4 stars; one submission).

Submission:

Labcorp Genetics (formerly Invitae), Labcorp
Classification: Uncertain significance. Last evaluated: 2023-02-07. Review status: criteria provided, single submitter. Criteria: Invitae Variant Classification Sherloc (09022015). Collection method: clinical testing. Allele origin: germline.
Comment: This variant has not been reported in the literature in individuals affected with EFEMP1-related conditions. Variants that disrupt the consensus splice site are a relatively common cause of aberrant splicing (PMID: 17576681, 9536098). Algorithms developed to predict the effect of sequence changes on RNA splicing suggest that this variant is not likely to affect RNA splicing. In summary, the available evidence is currently insufficient to determine the role of this variant in disease. Therefore, it has been classified as a Variant of Uncertain Significance. This variant is not present in population databases (gnomAD no frequency). This sequence change falls in intron 5 of the EFEMP1 gene. It does not directly change the encoded amino acid sequence of the EFEMP1 protein. It affects a nucleotide within the consensus splice site.

Literature cited by the submitters: PubMed 17576681; PubMed 9536098.

NM_001039348.3(EFEMP1):c.517+3A>G

Gene: EFEMP1 (EGF-like fibulin extracellular matrix protein 1; minus strand). Cytogenetic location: 2p16.1.
Variant type: single nucleotide variant.
Coding change: c.517+3A>G on transcript NM_001039348.3 (MANE Select); 3 bases into the intron after coding-DNA position 517, A replaced by G.
Molecular consequence: intron variant.
Genome position (GRCh38, 1-based): chr2:55,917,662, T>C on the plus strand (A>G on the coding strand, the complement: EFEMP1 is on the minus strand). VCF-style: chr2-55917662-T-C. GRCh37 (hg19) VCF-style: chr2-56144797-T-C.
Other names: c.517+3A>G (NM_001039349.3).
Identifiers: ClinVar variation 2815580 (VCV002815580.3), dbSNP rs2465836464, ClinGen allele CA2739274447.
Genomic context (GRCh38, chr2:55,917,662, plus strand): 5'-TCCTCACCACGAGGTGCACTTGGGCAAAAGCTTTCAATGGTTAGGAAAATAAGTTATTCC[T>C]ACCTTGGCACACGTTGTGTTCACTTTGCTCGTAGCCTGCTGCACACTGGATACGGTGGGA-3'